The following is an entry in ClinVar:

ClinVar aggregate classification (germline): Conflicting classifications of pathogenicity. Review status: criteria provided, conflicting classifications (1 of 4 stars). 3 submissions from 3 submitters: Uncertain significance (2); Benign (1). Last evaluated 2026-03-29.

Conditions:
DNAH11-related disorder. Also called: DNAH11-related condition.
Primary ciliary dyskinesia. Also called: Ciliary dyskinesia. Identifiers: Orphanet 244, MedGen C0008780, MONDO:0016575, HP:0012265.

Allele frequency attached by ClinVar (database versions not stated): gnomAD exomes below 0.00001 and 0.00001; gnomAD 0.00001.
gnomAD v4.1: 3 of 1,577,494 alleles (0.00019%); highest among the groups gnomAD compares: African/African-American, 0.004%; no homozygotes.

Submissions (3):

Ambry Genetics
Classification: Uncertain significance for Primary ciliary dyskinesia. Last evaluated: 2026-03-29. Review status: criteria provided, single submitter. Criteria: Ambry Variant Classification Scheme 2023. Collection method: clinical testing. Allele origin: germline.
Comment: The p.F3920S variant (also known as c.11759T>C), located in coding exon 72 of the DNAH11 gene, results from a T to C substitution at nucleotide position 11759. The phenylalanine at codon 3920 is replaced by serine, an amino acid with highly dissimilar properties. This amino acid position is conserved. In addition, this alteration is predicted to be tolerated by in silico analysis. Based on the available evidence, the clinical significance of this variant remains unclear.

PreventionGenetics, part of Exact Sciences
Classification: Uncertain significance for DNAH11-related condition. Last evaluated: 2025-06-29. Review status: criteria provided, single submitter. Criteria: ACMG Guidelines, 2015. Collection method: clinical testing. Allele origin: germline.
Comment: The DNAH11 c.11759T>C variant is predicted to result in the amino acid substitution p.Phe3920Ser. To our knowledge, this variant has not been reported in the literature. This variant is reported in 0.0086% of alleles in individuals of African descent in gnomAD. At this time, the clinical significance of this variant is uncertain due to the absence of conclusive functional and genetic evidence.

Labcorp Genetics (formerly Invitae), Labcorp
Classification: Benign for Primary ciliary dyskinesia. Last evaluated: 2025-06-23. Review status: criteria provided, single submitter. Criteria: Invitae Variant Classification Sherloc (09022015). Collection method: clinical testing. Allele origin: germline.

NM_001277115.2(DNAH11):c.11759T>C (p.Phe3920Ser)

Gene: DNAH11 (dynein axonemal heavy chain 11; plus strand). Cytogenetic location: 7p15.3.
Variant type: single nucleotide variant.
Coding change: c.11759T>C on transcript NM_001277115.2 (MANE Select); coding-DNA position 11759, T replaced by C.
Protein change: p.Phe3920Ser; replaces phenylalanine 3920 with serine.
Molecular consequence: missense variant.
Genome position (GRCh38, 1-based): chr7:21,867,927, T>C. VCF-style: chr7-21867927-T-C. GRCh37 (hg19) VCF-style: chr7-21907545-T-C.
Other names: c.11759T>C (NM_001277115.1); short protein forms F3920S.
Identifiers: ClinVar variation 1418158 (VCV001418158.10), dbSNP rs958623389, ClinGen allele CA366962404.